The following is an entry in ClinVar:

ClinVar aggregate classification (germline): Uncertain significance (1 of 4 stars; one submission).

Conditions:
Neuroblastoma, susceptibility to, 3. Also called: ALK-Related Neuroblastic Tumor Susceptibility. Identifiers: Orphanet 635, MedGen C2751681, MONDO:0013083, OMIM 613014.

gnomAD v4.1: 1 of 1,614,184 alleles (0.000062%); highest among the groups gnomAD compares: South Asian, 0.0011%; no homozygotes.

Submission:

Labcorp Genetics (formerly Invitae), Labcorp
Classification: Uncertain significance for Neuroblastoma, susceptibility to, 3. Last evaluated: 2019-06-06. Review status: criteria provided, single submitter. Criteria: Invitae Variant Classification Sherloc (09022015). Collection method: clinical testing. Allele origin: germline.
Comment: In summary, the available evidence is currently insufficient to determine the role of this variant in disease. Therefore, it has been classified as a Variant of Uncertain Significance. Algorithms developed to predict the effect of missense changes on protein structure and function (SIFT, PolyPhen-2, Align-GVGD) all suggest that this variant is likely to be disruptive, but these predictions have not been confirmed by published functional studies and their clinical significance is uncertain. This variant has not been reported in the literature in individuals with ALK-related conditions. This variant is not present in population databases (ExAC no frequency). This sequence change replaces valine with glycine at codon 567 of the ALK protein (p.Val567Gly). The valine residue is moderately conserved and there is a moderate physicochemical difference between valine and glycine.

NM_004304.5(ALK):c.1700T>G (p.Val567Gly)

Gene: ALK (ALK receptor tyrosine kinase; minus strand). Cytogenetic location: 2p23.2.
Variant type: single nucleotide variant.
Coding change: c.1700T>G on transcript NM_004304.5 (MANE Select); coding-DNA position 1700, T replaced by G.
Protein change: p.Val567Gly; replaces valine 567 with glycine.
Molecular consequence: missense variant.
Genome position (GRCh38, 1-based): chr2:29,297,005, A>C on the plus strand (T>G on the coding strand, the complement: ALK is on the minus strand). VCF-style: chr2-29297005-A-C. GRCh37 (hg19) VCF-style: chr2-29519871-A-C.
Other names: short protein forms V567G.
Identifiers: ClinVar variation 944737 (VCV000944737.9), dbSNP rs1666206131, ClinGen allele CA346466427.